The following is an entry in ClinVar:

ClinVar aggregate classification (germline): Uncertain significance. Review status: criteria provided, multiple submitters, no conflicts (2 of 4 stars). 2 submissions from 2 submitters: Uncertain significance (2). Last evaluated 2025-04-30.

Allele frequency attached by ClinVar (database versions not stated): TOPMed below 0.00001; ExAC 0.00002; gnomAD 0.00002; gnomAD exomes 0.00004.
gnomAD v4.1: 25 of 1,597,286 alleles (0.0016%); highest among the groups gnomAD compares: Admixed American, 0.0018%; no homozygotes.

Submissions (2):

Labcorp Genetics (formerly Invitae), Labcorp
Classification: Uncertain significance. Last evaluated: 2025-04-30. Review status: criteria provided, single submitter. Criteria: Invitae Variant Classification Sherloc (09022015). Collection method: clinical testing. Allele origin: germline.
Comment: This sequence change replaces arginine, which is basic and polar, with glutamine, which is neutral and polar, at codon 1901 of the SZT2 protein (p.Arg1901Gln). This variant is present in population databases (rs750008761, gnomAD 0.02%). This variant has not been reported in the literature in individuals affected with SZT2-related conditions. ClinVar contains an entry for this variant (Variation ID: 835458). Invitae Evidence Modeling of protein sequence and biophysical properties (such as structural, functional, and spatial information, amino acid conservation, physicochemical variation, residue mobility, and thermodynamic stability) indicates that this missense variant is not expected to disrupt SZT2 protein function with a negative predictive value of 80%. In summary, the available evidence is currently insufficient to determine the role of this variant in disease. Therefore, it has been classified as a Variant of Uncertain Significance.

GeneDx
Classification: Uncertain significance. Last evaluated: 2024-11-27. Review status: criteria provided, single submitter. Criteria: GeneDx Variant Classification Process June 2021. Collection method: clinical testing. Allele origin: germline. Affected: yes.
Comment: In silico analysis indicates that this missense variant does not alter protein structure/function; Has not been previously published as pathogenic or benign to our knowledge

NM_001365999.1(SZT2):c.5873G>A (p.Arg1958Gln)

Gene: SZT2 (SZT2 subunit of KICSTOR complex; plus strand). Cytogenetic location: 1p34.2.
Variant type: single nucleotide variant.
Coding change: c.5873G>A on transcript NM_001365999.1 (MANE Select); coding-DNA position 5873, G replaced by A.
Protein change: p.Arg1958Gln; replaces arginine 1958 with glutamine.
Molecular consequence: missense variant.
Genome position (GRCh38, 1-based): chr1:43,434,454, G>A. VCF-style: chr1-43434454-G-A. GRCh37 (hg19) VCF-style: chr1-43900125-G-A.
Other names: c.5702G>A, p.Arg1901Gln (NM_015284.4); short protein forms R1958Q, R1901Q.
Identifiers: ClinVar variation 835458 (VCV000835458.10), dbSNP rs750008761, ClinGen allele CA809728.